The following is an entry in ClinVar:

ClinVar aggregate classification (germline): Conflicting classifications of pathogenicity. Review status: criteria provided, conflicting classifications (1 of 4 stars). 2 submissions from 2 submitters: Uncertain significance (1); Likely benign (1). Last evaluated 2024-11-06.

Conditions:
OPA1-related disorder. Also called: OPA1-related condition; OPA1-related disorders.

Allele frequency attached by ClinVar (database versions not stated): gnomAD exomes 0.00001.
gnomAD v4.1: 12 of 1,611,066 alleles (0.00074%); highest among the groups gnomAD compares: African/African-American, 0.0027%; no homozygotes.

Submissions (2):

PreventionGenetics, part of Exact Sciences
Classification: Uncertain significance for OPA1-related condition. Last evaluated: 2024-11-06. Review status: criteria provided, single submitter. Criteria: ACMG Guidelines, 2015. Collection method: clinical testing. Allele origin: germline.
Comment: The OPA1 c.2507G>A variant is predicted to result in the amino acid substitution p.Arg836Gln. To our knowledge, this variant has not been reported in the literature. This variant is reported in 0.0063% of alleles in individuals of African descent in gnomAD. At this time, the clinical significance of this variant is uncertain due to the absence of conclusive functional and genetic evidence.

Labcorp Genetics (formerly Invitae), Labcorp
Classification: Likely benign. Last evaluated: 2022-08-30. Review status: criteria provided, single submitter. Criteria: Invitae Variant Classification Sherloc (09022015). Collection method: clinical testing. Allele origin: germline.

NM_130837.3(OPA1):c.2507G>A (p.Arg836Gln)

Gene: OPA1 (OPA1 mitochondrial dynamin like GTPase; plus strand). Cytogenetic location: 3q29.
Variant type: single nucleotide variant.
Coding change: c.2507G>A on transcript NM_130837.3 (MANE Select); coding-DNA position 2507, G replaced by A.
Protein change: p.Arg836Gln; replaces arginine 836 with glutamine.
Molecular consequence: missense variant.
Genome position (GRCh38, 1-based): chr3:193,659,548, G>A. VCF-style: chr3-193659548-G-A. GRCh37 (hg19) VCF-style: chr3-193377337-G-A.
Other names: c.1973G>A, p.Arg658Gln (NM_001354663.2); c.1970G>A, p.Arg657Gln (NM_001354664.2); c.2342G>A, p.Arg781Gln (NM_015560.3); c.2234G>A, p.Arg745Gln (NM_130831.3); c.2288G>A, p.Arg763Gln (NM_130832.3); c.2345G>A, p.Arg782Gln (NM_130833.3); c.2396G>A, p.Arg799Gln (NM_130834.3); c.2399G>A, p.Arg800Gln (NM_130835.3); and 1 more; short protein forms R657Q, R658Q, R745Q, R763Q, R781Q, R782Q, R799Q, R800Q.
Identifiers: ClinVar variation 2415291 (VCV002415291.7), dbSNP rs1254838960, ClinGen allele CA355792953.
Genomic context (GRCh38, chr3:193,659,548, plus strand): 5'-ATGCAATTGAAAACATGGTGGGTCCAGACTGGAAAAAGAGGTGGTTATACTGGAAGAATC[G>A]GACCCAAGAACAGGTAGAAATAAACAAGTCTCTAGTCTTATGATGATATAATTTTGTTCA-3'
Protein context (NP_570850.2, residues 826-846): WKKRWLYWKN[Arg836Gln]TQEQCVHNET